The following is an entry in ClinVar:

ClinVar aggregate classification (germline): Likely benign. Review status: criteria provided, single submitter (1 of 4 stars). 2 submissions from 2 submitters: Likely benign (1). 1 of the submissions does not count toward it. Last evaluated 2022-10-21.

Conditions:
B3GALNT2-related disorder. Also called: B3GALNT2-related condition.
Muscular dystrophy-dystroglycanopathy (congenital with brain and eye anomalies), type a, 11 (MDDGA11). Also called: WALKER-WARBURG SYNDROME OR MUSCLE-EYE-BRAIN DISEASE, B3GALNT2-RELATED; Muscular dystrophy-dystroglycanopathy (congenital with brain and eye anomalies, type A, 11; Congenital muscular dystrophy-dystroglycanopathy with brain and eye anomalies, type A11. Identifiers: Orphanet 588, Orphanet 899, MedGen C3554638, MONDO:0014071, OMIM 615181.

Allele frequency attached by ClinVar (database versions not stated): gnomAD 0.00001; ExAC 0.00003; gnomAD exomes 0.00003.
gnomAD v4.1: 50 of 1,613,918 alleles (0.0031%); highest among the groups gnomAD compares: South Asian, 0.054%; no homozygotes.

Submissions (2):

Labcorp Genetics (formerly Invitae), Labcorp
Classification: Likely benign for Muscular dystrophy-dystroglycanopathy (congenital with brain and eye anomalies), type a, 11. Last evaluated: 2022-10-21. Review status: criteria provided, single submitter. Criteria: Invitae Variant Classification Sherloc (09022015). Collection method: clinical testing. Allele origin: germline.

PreventionGenetics, part of Exact Sciences
Classification: Likely benign for B3GALNT2-related condition. Last evaluated: 2021-03-03. Review status: no assertion criteria provided. Collection method: clinical testing. Allele origin: germline. Not counted in ClinVar's aggregate classification.
Comment: This variant is classified as likely benign based on ACMG/AMP sequence variant interpretation guidelines (Richards et al. 2015 PMID: 25741868, with internal and published modifications).

NM_152490.5(B3GALNT2):c.537T>C (p.Leu179=)

Gene: B3GALNT2 (beta-1,3-N-acetylgalactosaminyltransferase 2; minus strand). Cytogenetic location: 1q42.3.
Variant type: single nucleotide variant.
Coding change: c.537T>C on transcript NM_152490.5 (MANE Select); coding-DNA position 537, T replaced by C.
Protein change: p.Leu179=; no amino-acid change (leucine 179 retained).
Molecular consequence: synonymous variant.
Genome position (GRCh38, 1-based): chr1:235,484,340, A>G on the plus strand (T>C on the coding strand, the complement: B3GALNT2 is on the minus strand). VCF-style: chr1-235484340-A-G. GRCh37 (hg19) VCF-style: chr1-235647656-A-G.
Other names: c.660T>C, p.Leu220= (NM_001277155.3); c.537T>C (NM_152490.4).
Identifiers: ClinVar variation 1574976 (VCV001574976.10), dbSNP rs775836647, ClinGen allele CA1464890.